The following is an entry in ClinVar:

ClinVar aggregate classification (germline): Uncertain significance (1 of 4 stars; one submission).

Conditions:
Neuroblastoma, susceptibility to, 3. Also called: ALK-Related Neuroblastic Tumor Susceptibility. Identifiers: Orphanet 635, MedGen C2751681, MONDO:0013083, OMIM 613014.

Submission:

Labcorp Genetics (formerly Invitae), Labcorp
Classification: Uncertain significance for Neuroblastoma, susceptibility to, 3. Last evaluated: 2022-12-04. Review status: criteria provided, single submitter. Criteria: Invitae Variant Classification Sherloc (09022015). Collection method: clinical testing. Allele origin: germline.
Comment: This sequence change falls in intron 15 of the ALK gene. It does not directly change the encoded amino acid sequence of the ALK protein. This variant is not present in population databases (gnomAD no frequency). This variant has not been reported in the literature in individuals affected with ALK-related conditions. ClinVar contains an entry for this variant (Variation ID: 946520). Algorithms developed to predict the effect of sequence changes on RNA splicing suggest that this variant may disrupt the consensus splice site. In summary, the available evidence is currently insufficient to determine the role of this variant in disease. Therefore, it has been classified as a Variant of Uncertain Significance.

NM_004304.5(ALK):c.2633-6C>A

Gene: ALK (ALK receptor tyrosine kinase; minus strand). Cytogenetic location: 2p23.2.
Variant type: single nucleotide variant.
Coding change: c.2633-6C>A on transcript NM_004304.5 (MANE Select); 6 bases into the intron before coding-DNA position 2633, C replaced by A.
Molecular consequence: intron variant.
Genome position (GRCh38, 1-based): chr2:29,229,072, G>T on the plus strand (C>A on the coding strand, the complement: ALK is on the minus strand). VCF-style: chr2-29229072-G-T. GRCh37 (hg19) VCF-style: chr2-29451938-G-T.
Identifiers: ClinVar variation 946520 (VCV000946520.9), dbSNP rs577768628, ClinGen allele CA1139656839.
Genomic context (GRCh38, chr2:29,229,072, plus strand): 5'-AAAGATTTTCCGGCCCAGAGCAAGGAAGTGTTATCATTCCAGCCACCTCCACCACCTGCG[G>T]GAAGAGATAGGGAACCTGCGTGAGGATGCTGGCAAGGTTCAATTAGCCATGCTGGCCAGA-3'